The following is an entry in ClinVar:

ClinVar aggregate classification (germline): Likely benign. Review status: criteria provided, multiple submitters, no conflicts (2 of 4 stars). 4 submissions from 4 submitters: Likely benign (3). 1 of the submissions does not count toward it. Last evaluated 2025-08-09.

Conditions:
PLEC-related disorder. Also called: PLEC-related condition; PLEC-related disorders.
Epidermolysis bullosa simplex 5C, with pyloric atresia (EBS5C). Also called: PLEC-Related Epidermolysis Bullosa with Pyloric Atresia; Epidermolysis bullosa simplex with pyloric atresia; PLEC1-Related Epidermolysis Bullosa with Pyloric Atresia. Identifiers: Orphanet 158684, MedGen C2677349, MONDO:0012807, OMIM 612138.
Epidermolysis bullosa simplex, Ogna type (EBS5A). Also called: Pidermolysis bullosa simplex 5A, Ogna type; EPIDERMOLYSIS BULLOSA SIMPLEX 5A, OGNA TYPE. Identifiers: Orphanet 79401, MedGen C0432317, MONDO:0007555, OMIM 131950.
Epidermolysis bullosa simplex 5B, with muscular dystrophy (EBS5B). Also called: Epidermolysis bullosa simplex with muscular dystrophy; EPIDERMOLYSIS BULLOSA SIMPLEX AND LIMB-GIRDLE MUSCULAR DYSTROPHY. Identifiers: Orphanet 257, MedGen C2931072, MONDO:0009181, OMIM 226670.
Epidermolysis bullosa simplex with nail dystrophy (EBS5D). Identifiers: MedGen C4225309, MONDO:0014661, OMIM 616487.
Autosomal recessive limb-girdle muscular dystrophy type 2Q (LGMDR17). Also called: MUSCULAR DYSTROPHY, LIMB-GIRDLE, AUTOSOMAL RECESSIVE 17. Identifiers: Orphanet 254361, MedGen C3150989, MONDO:0013390, OMIM 613723.

Allele frequency attached by ClinVar (database versions not stated): ExAC 0.00001; gnomAD 0.00003; gnomAD exomes 0.00003 and 0.00007; TOPMed 0.00005.
gnomAD v4.1: 46 of 1,577,504 alleles (0.0029%); highest among the groups gnomAD compares: Admixed American, 0.021%; no homozygotes.

Submissions (4):

Labcorp Genetics (formerly Invitae), Labcorp
Classification: Likely benign for Autosomal recessive limb-girdle muscular dystrophy type 2Q; Epidermolysis bullosa simplex, Ogna type; Epidermolysis bullosa simplex with nail dystrophy; Epidermolysis bullosa simplex 5C, with pyloric atresia; Epidermolysis bullosa simplex 5B, with muscular dystrophy. Last evaluated: 2025-08-09. Review status: criteria provided, single submitter. Criteria: Invitae Variant Classification Sherloc (09022015). Collection method: clinical testing. Allele origin: germline.

Laboratory of Genetics, Children's Clinical University Hospital Latvia
Classification: Likely benign. Last evaluated: 2025-02-16. Review status: criteria provided, single submitter. Criteria: ACMG Guidelines, 2015. Collection method: clinical testing. Allele origin: germline. Affected: yes.

Blueprint Genetics
Classification: Likely benign. Last evaluated: 2021-10-07. Review status: criteria provided, single submitter. Criteria: ACMG Guidelines, 2015. Collection method: clinical testing. Allele origin: germline.

PreventionGenetics, part of Exact Sciences
Classification: Likely benign for PLEC-related condition. Last evaluated: 2019-11-08. Review status: no assertion criteria provided. Collection method: clinical testing. Allele origin: germline. Not counted in ClinVar's aggregate classification.
Comment: This variant is classified as likely benign based on ACMG/AMP sequence variant interpretation guidelines (Richards et al. 2015 PMID: 25741868, with internal and published modifications).

NM_201384.3(PLEC):c.11610C>T (p.Thr3870=)

Gene: PLEC (plectin; minus strand). Cytogenetic location: 8q24.3.
Variant type: single nucleotide variant.
Coding change: c.11610C>T on transcript NM_201384.3 (MANE Select); coding-DNA position 11610, C replaced by T.
Protein change: p.Thr3870=; no amino-acid change (threonine 3870 retained).
Molecular consequence: synonymous variant.
Genome position (GRCh38, 1-based): chr8:143,918,211, G>A on the plus strand (C>T on the coding strand, the complement: PLEC is on the minus strand). VCF-style: chr8-143918211-G-A. GRCh37 (hg19) VCF-style: chr8-144992379-G-A.
Other names: c.11691C>T, p.Thr3897= (NM_000445.5); c.11568C>T, p.Thr3856= (NM_201378.4); c.11544C>T, p.Thr3848= (NM_201379.3); c.12021C>T, p.Thr4007= (NM_201380.4); c.11514C>T, p.Thr3838= (NM_201381.3); c.11610C>T, p.Thr3870= (NM_201382.4); c.11622C>T, p.Thr3874= (NM_201383.3).
Identifiers: ClinVar variation 487330 (VCV000487330.16), dbSNP rs781944689, ClinGen allele CA4924293.